The following is an entry in ClinVar:

NM_015151.4(DIP2A):c.2637+29G>A

Gene: DIP2A (disco interacting protein 2 homolog A; plus strand). Cytogenetic location: 21q22.3.
Variant type: single nucleotide variant.
Coding change: c.2637+29G>A on transcript NM_015151.4 (MANE Select); 29 bases into the intron after coding-DNA position 2637, G replaced by A.
Molecular consequence: intron variant. On other transcripts: missense variant (1).
Genome position (GRCh38, 1-based): chr21:46,549,914, G>A. VCF-style: chr21-46549914-G-A. GRCh37 (hg19) VCF-style: chr21-47969827-G-A.
Other names: c.2666G>A, p.Arg889Gln (NM_206889.3); c.2637+29G>A (NM_001353943.2, NM_001410751.1); c.2640+29G>A (NM_001353942.2); c.2625+29G>A (NM_001146116.2); short protein forms R889Q.
Identifiers: ClinVar variation 3043790 (VCV003043790.2), dbSNP rs201345375, ClinGen allele CA10082498.

ClinVar aggregate classification (germline): Likely benign (0 of 4 stars; one submission).

Conditions:
DIP2A-related disorder. Also called: DIP2A-related condition.

Allele frequency attached by ClinVar (database versions not stated): 1000 Genomes Project 30x 0.00031; 1000 Genomes Project 0.00040; ESP Exome Variant Server 0.00100; TOPMed 0.00114; gnomAD 0.00135; gnomAD exomes 0.00160; ExAC 0.00181.
gnomAD v4.1: 2,562 of 1,606,596 alleles (0.16%); highest among the groups gnomAD compares: Non-Finnish European, 0.18%; 2 homozygotes.

Submission:

PreventionGenetics, part of Exact Sciences
Classification: Likely benign for DIP2A-related condition. Last evaluated: 2022-10-31. Review status: no assertion criteria provided. Collection method: clinical testing. Allele origin: germline.
Comment: This variant is classified as likely benign based on ACMG/AMP sequence variant interpretation guidelines (Richards et al. 2015 PMID: 25741868, with internal and published modifications).